The following is an entry in ClinVar:

NM_014423.4(AFF4):c.629C>T (p.Ser210Phe)

Gene: AFF4 (ALF transcription elongation factor 4; minus strand). Cytogenetic location: 5q31.1.
Variant type: single nucleotide variant.
Coding change: c.629C>T on transcript NM_014423.4 (MANE Select); coding-DNA position 629, C replaced by T.
Protein change: p.Ser210Phe; replaces serine 210 with phenylalanine.
Molecular consequence: missense variant.
Genome position (GRCh38, 1-based): chr5:132,934,436, G>A on the plus strand (C>T on the coding strand, the complement: AFF4 is on the minus strand). VCF-style: chr5-132934436-G-A. GRCh37 (hg19) VCF-style: chr5-132270128-G-A.
Other names: short protein forms S210F.
Identifiers: ClinVar variation 4994956 (VCV004994956.1).

ClinVar aggregate classification (germline): Uncertain significance (1 of 4 stars; one submission).

Conditions:
AFF4-related disorder. Also called: AFF4-related condition.

gnomAD v4.1: 4 of 1,614,154 alleles (0.00025%); highest among the groups gnomAD compares: Admixed American, 0.0033%; no homozygotes.

Submission:

PreventionGenetics, part of Exact Sciences
Classification: Uncertain significance for AFF4-related condition. Last evaluated: 2026-08-17. Review status: criteria provided, single submitter. Criteria: ACMG Guidelines, 2015. Collection method: clinical testing. Allele origin: germline.
Comment: The AFF4 c.629C>T variant is predicted to result in the amino acid substitution p.Ser210Phe. To our knowledge, this variant has not been reported in the literature. This variant is reported in 0.0058% of alleles in individuals of Latino descent in gnomAD. At this time, the clinical significance of this variant is uncertain due to the absence of conclusive functional and genetic evidence.